The following is an entry in ClinVar:

ClinVar aggregate classification (germline): Uncertain significance (1 of 4 stars; one submission).

Allele frequency attached by ClinVar (database versions not stated): TOPMed below 0.00001; gnomAD 0.00001.

Submission:

Athena Diagnostics
Classification: Uncertain significance. Last evaluated: 2023-05-17. Review status: criteria provided, single submitter. Criteria: Athena Diagnostics Criteria. Collection method: clinical testing. Allele origin: unknown.
Comment: Available data are insufficient to determine the clinical significance of the variant at this time. The frequency of this variant in the general population is uninformative in assessment of its pathogenicity. Computational tools predict that this variant is not damaging.

NM_002775.5(HTRA1):c.8T>A (p.Ile3Asn)

Gene: HTRA1 (HtrA serine peptidase 1; plus strand). Cytogenetic location: 10q26.13.
Variant type: single nucleotide variant.
Coding change: c.8T>A on transcript NM_002775.5 (MANE Select); coding-DNA position 8, T replaced by A.
Protein change: p.Ile3Asn; replaces isoleucine 3 with asparagine.
Molecular consequence: missense variant.
Genome position (GRCh38, 1-based): chr10:122,461,660, T>A. VCF-style: chr10-122461660-T-A. GRCh37 (hg19) VCF-style: chr10-124221176-T-A.
Other names: short protein forms I3N.
Identifiers: ClinVar variation 2684150 (VCV002684150.1), dbSNP rs1331849764, ClinGen allele CA378605121.
Genomic context (GRCh38, chr10:122,461,660, plus strand): 5'-GCTCTCCGGCCCTCGCCCTGTCCGCCGCCACCGCCGCCGCCGCCAGAGTCGCCATGCAGA[T>A]CCCGCGCGCCGCTCTTCTCCCGCTGCTGCTGCTGCTGCTGGCGGCGCCCGCCTCGGCGCA-3'
Protein context (NP_002766.1, residues 1-13): MQ[Ile3Asn]PRAALLPLLL